The following is an entry in ClinVar:

NM_004839.4(HOMER2):c.554G>A (p.Arg185Gln)

Gene: HOMER2 (homer scaffold protein 2; minus strand). Cytogenetic location: 15q25.2.
Variant type: single nucleotide variant.
Coding change: c.554G>A on transcript NM_004839.4 (MANE Select); coding-DNA position 554, G replaced by A.
Protein change: p.Arg185Gln; replaces arginine 185 with glutamine.
Molecular consequence: missense variant.
Genome position (GRCh38, 1-based): chr15:82,854,741, C>T on the plus strand (G>A on the coding strand, the complement: HOMER2 is on the minus strand). VCF-style: chr15-82854741-C-T. GRCh37 (hg19) VCF-style: chr15-83523493-C-T.
Other names: c.587G>A, p.Arg196Gln (NM_199330.3); short protein forms R196Q, R185Q.
Identifiers: ClinVar variation 1474878 (VCV001474878.6), dbSNP rs864309524, ClinGen allele CA393322271.

ClinVar aggregate classification (germline): Uncertain significance (1 of 4 stars; one submission).

Allele frequency attached by ClinVar (database versions not stated): gnomAD 0.00001; TOPMed 0.00001; gnomAD exomes below 0.00001.
gnomAD v4.1: 6 of 1,612,370 alleles (0.00037%); highest among the groups gnomAD compares: South Asian, 0.0011%; no homozygotes.

Submission:

Labcorp Genetics (formerly Invitae), Labcorp
Classification: Uncertain significance. Last evaluated: 2026-01-23. Review status: criteria provided, single submitter. Criteria: Invitae Variant Classification Sherloc (09022015). Collection method: clinical testing. Allele origin: germline.
Comment: This sequence change replaces arginine, which is basic and polar, with glutamine, which is neutral and polar, at codon 185 of the HOMER2 protein (p.Arg185Gln). The frequency data for this variant in the population databases is considered unreliable, as metrics indicate poor data quality at this position in the gnomAD database. This variant has not been reported in the literature in individuals affected with HOMER2-related conditions. ClinVar contains an entry for this variant (Variation ID: 1474878). An algorithm developed to predict the effect of missense changes on protein structure and function (PolyPhen-2) suggests that this variant is likely to be tolerated. This variant disrupts the p.Arg185 amino acid residue in HOMER2. Other variant(s) that disrupt this residue have been determined to be pathogenic (PMID: 25816005). This suggests that this residue is clinically significant, and that variants that disrupt this residue are likely to be disease-causing. In summary, the available evidence is currently insufficient to determine the role of this variant in disease. Therefore, it has been classified as a Variant of Uncertain Significance.

Literature cited by the submitters: PubMed 25816005.